The following is an entry in ClinVar:

ClinVar aggregate classification (germline): Uncertain significance. Review status: criteria provided, multiple submitters, no conflicts (2 of 4 stars). 2 submissions from 2 submitters: Uncertain significance (2). Last evaluated 2025-06-13.

Submissions (2):

GeneDx
Classification: Uncertain significance. Last evaluated: 2025-06-13. Review status: criteria provided, single submitter. Criteria: GeneDx Variant Classification Process June 2021. Collection method: clinical testing. Allele origin: germline. Affected: yes.
Comment: In silico analysis supports that this missense variant has a deleterious effect on protein structure/function; Has not been previously published as pathogenic or benign to our knowledge

Ambry Genetics
Classification: Uncertain significance. Last evaluated: 2024-07-30. Review status: criteria provided, single submitter. Criteria: Ambry Variant Classification Scheme 2023. Collection method: clinical testing. Allele origin: germline.

NM_018960.6(GNMT):c.784G>A (p.Gly262Arg)

Genes: CNPY3-GNMT (CNPY3-GNMT readthrough; plus strand), GNMT (glycine N-methyltransferase; plus strand), PEX6 (peroxisomal biogenesis factor 6; minus strand). Cytogenetic location: 6p21.1.
Variant type: single nucleotide variant.
Coding change: c.784G>A on transcript NM_018960.6 (MANE Select); coding-DNA position 784, G replaced by A.
Protein change: p.Gly262Arg; replaces glycine 262 with arginine.
Molecular consequence: missense variant. On other transcripts: non-coding transcript variant (4).
Genome position (GRCh38, 1-based): chr6:42,963,602, G>A. VCF-style: chr6-42963602-G-A. GRCh37 (hg19) VCF-style: chr6-42931340-G-A.
Other names: c.586G>A, p.Gly196Arg (NM_001318856.2); c.601G>A, p.Gly201Arg (NM_001318857.2); c.493G>A, p.Gly165Arg (NM_001318858.2); c.727G>A, p.Gly243Arg (NM_001318865.2); short protein forms G262R, G165R, G243R, G196R, G201R.
Identifiers: ClinVar variation 3521007 (VCV003521007.2).